The following is an entry in ClinVar:

NM_000428.3(LTBP2):c.5064G>T (p.Glu1688Asp)

Gene: LTBP2 (latent transforming growth factor beta binding protein 2; minus strand). Cytogenetic location: 14q24.3.
Variant type: single nucleotide variant.
Coding change: c.5064G>T on transcript NM_000428.3 (MANE Select); coding-DNA position 5064, G replaced by T.
Protein change: p.Glu1688Asp; replaces glutamic acid 1688 with aspartic acid.
Molecular consequence: missense variant.
Genome position (GRCh38, 1-based): chr14:74,502,759, C>A on the plus strand (G>T on the coding strand, the complement: LTBP2 is on the minus strand). VCF-style: chr14-74502759-C-A. GRCh37 (hg19) VCF-style: chr14-74969462-C-A.
Other names: short protein forms E1688D.
Identifiers: ClinVar variation 1481800 (VCV001481800.3), dbSNP rs1336987066, ClinGen allele CA390383092.

ClinVar aggregate classification (germline): Uncertain significance (1 of 4 stars; one submission).

Allele frequency attached by ClinVar (database versions not stated): TOPMed below 0.00001.
gnomAD v4.1: 34 of 1,614,200 alleles (0.0021%); highest among the groups gnomAD compares: Non-Finnish European, 0.0029%; no homozygotes.

Submission:

Labcorp Genetics (formerly Invitae), Labcorp
Classification: Uncertain significance. Last evaluated: 2021-10-28. Review status: criteria provided, single submitter. Criteria: Invitae Variant Classification Sherloc (09022015). Collection method: clinical testing. Allele origin: germline.
Comment: This sequence change replaces glutamic acid, which is acidic and polar, with aspartic acid, which is acidic and polar, at codon 1688 of the LTBP2 protein (p.Glu1688Asp). This variant is not present in population databases (gnomAD no frequency). This variant has not been reported in the literature in individuals affected with LTBP2-related conditions. Algorithms developed to predict the effect of missense changes on protein structure and function (SIFT, PolyPhen-2, Align-GVGD) all suggest that this variant is likely to be disruptive. In summary, the available evidence is currently insufficient to determine the role of this variant in disease. Therefore, it has been classified as a Variant of Uncertain Significance.